The following is an entry in ClinVar:

NM_015512.5(DNAH1):c.5104C>T (p.Arg1702Ter)

Gene: DNAH1 (dynein axonemal heavy chain 1; plus strand). Cytogenetic location: 3p21.1.
Variant type: single nucleotide variant.
Coding change: c.5104C>T on transcript NM_015512.5 (MANE Select); coding-DNA position 5104, C replaced by T.
Protein change: p.Arg1702Ter; replaces arginine 1702 with a stop codon.
Molecular consequence: nonsense.
Genome position (GRCh38, 1-based): chr3:52,363,004, C>T. VCF-style: chr3-52363004-C-T. GRCh37 (hg19) VCF-style: chr3-52397020-C-T.
Other names: short protein forms R1702*.
Identifiers: ClinVar variation 568905 (VCV000568905.9), dbSNP rs766323732, ClinGen allele CA2434104.

ClinVar aggregate classification (germline): Pathogenic. Review status: criteria provided, multiple submitters, no conflicts (2 of 4 stars). 2 submissions from 2 submitters: Pathogenic (2). Last evaluated 2024-07-22.

Conditions:
Ciliary dyskinesia, primary, 37 (CILD37). Also called: CILIARY DYSKINESIA, PRIMARY, 37, WITH OR WITHOUT SITUS INVERSUS. Identifiers: MedGen C4539798, MONDO:0033204, OMIM 617577.
Spermatogenic failure 18. Identifiers: MedGen C4539783, MONDO:0054615, OMIM 617576.

Allele frequency attached by ClinVar (database versions not stated): gnomAD exomes 0.00001 and 0.00003; ExAC 0.00002.
gnomAD v4.1: 13 of 1,613,904 alleles (0.00081%); highest among the groups gnomAD compares: East Asian, 0.02%; no homozygotes.

Submissions (2):

3billion
Classification: Pathogenic for Ciliary dyskinesia, primary, 37. Last evaluated: 2024-07-22. Review status: criteria provided, single submitter. Criteria: ACMG Guidelines, 2015. Collection method: clinical testing. Allele origin: germline. Affected: yes.
Comment: The variant is observed at an extremely low frequency in the gnomAD v4.0.0 dataset (total allele frequency: <0.001%). Predicted Consequence/Location: Stop-gained (nonsense): predicted to result in a loss or disruption of normal protein function through nonsense-mediated decay (NMD) or protein truncation. Multiple pathogenic variants are reported downstream of the variant. The variant has been reported to be associated with DNAH1 related disorder (ClinVar ID: VCV000568905 /PMID: 33929677). Therefore, this variant is classified as Pathogenic according to the recommendation of ACMG/AMP guideline.

Labcorp Genetics (formerly Invitae), Labcorp
Classification: Pathogenic for Ciliary dyskinesia, primary, 37; Spermatogenic failure 18. Last evaluated: 2019-02-14. Review status: criteria provided, single submitter. Criteria: Invitae Variant Classification Sherloc (09022015). Collection method: clinical testing. Allele origin: germline.
Comment: For these reasons, this variant has been classified as Pathogenic. Loss-of-function variants in DNAH1 are known to be pathogenic (PMID: 27573432, 27798045). This variant has not been reported in the literature in individuals with DNAH1-related conditions. ClinVar contains an entry for this variant (Variation ID: 568905). This variant is present in population databases (rs766323732, ExAC 0.02%). This sequence change creates a premature translational stop signal (p.Arg1702*) in the DNAH1 gene. It is expected to result in an absent or disrupted protein product.

Literature cited by the submitters: PubMed 33929677 (cited by 3billion); PubMed 27573432 (cited by Labcorp Genetics (formerly Invitae), Labcorp); PubMed 27798045 (cited by Labcorp Genetics (formerly Invitae), Labcorp).